The following is an entry in ClinVar:

ClinVar aggregate classification (germline): Pathogenic (1 of 4 stars; one submission).

Conditions:
Intellectual developmental disorder, autosomal dominant 1. Also called: Intellectual disability, autosomal dominant 1; MBD5 Haploinsufficiency. Identifiers: Orphanet 228402, MedGen C1969562, MONDO:0007974, OMIM 156200.

Submission:

Labcorp Genetics (formerly Invitae), Labcorp
Classification: Pathogenic for Mental retardation, autosomal dominant 1. Last evaluated: 2019-11-02. Review status: criteria provided, single submitter. Criteria: Invitae Variant Classification Sherloc (09022015). Collection method: clinical testing. Allele origin: germline.
Comment: This variant is a gross deletion of the genomic region encompassing exons 6-8 of the MBD5 gene, which includes the initiator codon. The 5' end of this event is unknown as it extends beyond the assayed region for this gene and therefore may encompass additional genes. The 3' boundary is likely confined to intron 8 of the MBD5 gene. This is expected to result in an absent or disrupted protein product. This variant has not been reported in the literature in individuals with MBD5-related conditions. Loss-of-function variants in MBD5 are known to be pathogenic (PMID: 23422940, 23587880). For these reasons, this variant has been classified as Pathogenic.

NC_000002.12:g.(?_148458739)_(148463939_?)del

Gene: MBD5 (methyl-CpG binding domain protein 5; plus strand). Cytogenetic location: 2q23.1.
Variant type: Deletion.
Identifiers: ClinVar variation 831961 (VCV000831961.1).